The following is an entry in ClinVar:

ClinVar aggregate classification (germline): Likely benign. Review status: criteria provided, single submitter (1 of 4 stars). 2 submissions from 2 submitters: Likely benign (1). 1 of the submissions does not count toward it. Last evaluated 2026-01-08.

Conditions:
KANK1-related disorder. Also called: KANK1-related condition.

Allele frequency attached by ClinVar (database versions not stated): ExAC 0.00009; gnomAD exomes 0.00014; ESP Exome Variant Server 0.00015; gnomAD 0.00005; TOPMed 0.00008.
gnomAD v4.1: 99 of 1,613,830 alleles (0.0061%); highest among the groups gnomAD compares: Admixed American, 0.07%; no homozygotes.

Submissions (2):

Labcorp Genetics (formerly Invitae), Labcorp
Classification: Likely benign. Last evaluated: 2026-01-08. Review status: criteria provided, single submitter. Criteria: Invitae Variant Classification Sherloc (09022015). Collection method: clinical testing. Allele origin: germline.

PreventionGenetics, part of Exact Sciences
Classification: Likely benign for KANK1-related condition. Last evaluated: 2022-03-31. Review status: no assertion criteria provided. Collection method: clinical testing. Allele origin: germline. Not counted in ClinVar's aggregate classification.
Comment: This variant is classified as likely benign based on ACMG/AMP sequence variant interpretation guidelines (Richards et al. 2015 PMID: 25741868, with internal and published modifications).

NM_015158.5(KANK1):c.4023G>A (p.Thr1341=)

Gene: KANK1 (KN motif and ankyrin repeat domains 1; plus strand). Cytogenetic location: 9p24.3.
Variant type: single nucleotide variant.
Coding change: c.4023G>A on transcript NM_015158.5 (MANE Select); coding-DNA position 4023, G replaced by A.
Protein change: p.Thr1341=; no amino-acid change (threonine 1341 retained).
Molecular consequence: synonymous variant. On other transcripts: non-coding transcript variant (1).
Genome position (GRCh38, 1-based): chr9:745,199, G>A. VCF-style: chr9-745199-G-A. GRCh37 (hg19) VCF-style: chr9-745199-G-A.
Other names: c.4023G>A, p.Thr1341= (NM_001256876.3, NM_001256877.3, NM_001354334.2); c.3783G>A, p.Thr1261= (NM_001354331.2); c.3969G>A, p.Thr1323= (NM_001354332.2); c.3549G>A, p.Thr1183= (NM_001354333.2, NM_001354335.2, NM_001354337.2 and 2 more transcripts); c.3255G>A, p.Thr1085= (NM_001354336.2); c.3495G>A, p.Thr1165= (NM_001354338.2, NM_001354340.2, NM_001354344.2); c.3309G>A, p.Thr1103= (NM_001354339.2, NM_001354342.2, NM_001354343.2).
Identifiers: ClinVar variation 728913 (VCV000728913.10), dbSNP rs148157700, ClinGen allele CA4961352.
Genomic context (GRCh38, chr9:745,199, plus strand): 5'-TAACCCCCAGTTTTTTTCCTTTCCTGGTCTCTAGGGCACCCCTAGGCTTGGAAGGAAGAC[G>A]TCTCCTGGCCCCACCCACCGAGGTTCATTTGATTGATTGTATGCAAATAGCCCTTTATTT-3'
Protein context (NP_055973.2, residues 1331-1351): SPGTPRLGRK[Thr1341=]SPGPTHRGSF